The following is an entry in ClinVar:

ClinVar aggregate classification (germline): Pathogenic/Likely pathogenic. Review status: criteria provided, multiple submitters, no conflicts (2 of 4 stars). 4 submissions from 4 submitters: Pathogenic (1); Likely pathogenic (2). 1 of the submissions does not count toward it. Last evaluated 2025-10-31.
ClinVar aggregate classification (oncogenicity): Oncogenic (1 of 4 stars; one submission).

Conditions:
Autosomal recessive severe congenital neutropenia due to CSF3R deficiency. Also called: Neutropenia, severe congenital, 7, autosomal recessive. Identifiers: Orphanet 420702, MedGen C4310764, MONDO:0014865, OMIM 617014.
Early T cell progenitor acute lymphoblastic leukemia. Also called: Early T Acute Lymphoblastic Leukemia. Identifiers: MedGen C4329780, MONDO:0100291.
Hereditary neutrophilia. Identifiers: Orphanet 279943, MedGen C0543669, MONDO:0008092, OMIM 162830.
Neoplasm. Also called: tumor; Neoplasms; Neoplasm (disease). Identifiers: MedGen C0027651, MeSH D009369, MONDO:0005070, HP:0002664.

Submissions (5):

Center for Genomic Medicine, Rigshospitalet, Copenhagen University Hospital
Classification: Oncogenic for Neoplasm. Last evaluated: 2025-12-29. Review status: criteria provided, single submitter. Criteria: ClinGen/CGC/VICC Guidelines for Oncogenicity, 2022. Collection method: clinical testing. Allele origin: somatic. Affected: yes.

3billion
Classification: Likely pathogenic for Hereditary neutrophilia. Last evaluated: 2025-10-31. Review status: criteria provided, single submitter. Criteria: ACMG Guidelines, 2015. Collection method: clinical testing. Allele origin: germline. Affected: yes.
Comment: The variant is not observed in the gnomAD v4.1.0 dataset. Predicted Consequence/Location: Missense variant. The majority of the known disease-causing variants of this gene are variants expected to result in premature termination of the protein. Damaging effect on gene or gene product predicted by in silico programs is uncertain [REVEL: 0.41 (damaging >=0.6, benign <0.4)]. The same nucleotide change resulting in the same amino acid change has been previously reported as pathogenic/likely pathogenic with strong evidence (ClinVar ID: VCV000208339 /PMID: 27581359). Therefore, this variant is classified as Likely pathogenic according to the recommendation of ACMG/AMP guideline.

Labcorp Genetics (formerly Invitae), Labcorp
Classification: Likely pathogenic for Autosomal recessive severe congenital neutropenia due to CSF3R deficiency. Last evaluated: 2025-02-15. Review status: criteria provided, single submitter. Criteria: Invitae Variant Classification Sherloc (09022015). Collection method: clinical testing. Allele origin: germline.
Comment: This sequence change replaces threonine, which is neutral and polar, with isoleucine, which is neutral and non-polar, at codon 618 of the CSF3R protein (p.Thr618Ile). This variant is not present in population databases (gnomAD no frequency). This variant is a well-known somatic variant that has been reported in the literature in individuals affected with chronic neutrophilic leukemia, atypical chronic myeloid leukemia, and acute lymphoblastic leukemia (PMID: 25491280, 26875968, 28209919, 24614839, 24854193, 28219221, 27148573, 23604229, 28762112, 25932451). Rarely, this variant has also been observed as a germline variant in individuals with chronic neutrophilic leukemia (PMID: 31697825, 27581359). It has also been observed to segregate with disease in related individuals. ClinVar contains an entry for this variant (Variation ID: 208339). Invitae Evidence Modeling of protein sequence and biophysical properties (such as structural, functional, and spatial information, amino acid conservation, physicochemical variation, residue mobility, and thermodynamic stability) indicates that this missense variant is expected to disrupt CSF3R protein function with a positive predictive value of 80%. Experimental studies have shown that this missense change affects CSF3R function (PMID: 24081659, 24403076, 30967555). In summary, the currently available evidence indicates that the variant is pathogenic, but additional data are needed to prove that conclusively. Therefore, this variant has been classified as Likely Pathogenic.

Clinical Genetics and Genomics, Karolinska University Hospital
Classification: Pathogenic. Last evaluated: 2015-11-12. Review status: criteria provided, single submitter. Criteria: ACMG Guidelines, 2015. Collection method: clinical testing. Allele origin: unknown. Affected: yes. Observed: 3 variant alleles.

Center for Advanced Molecular Diagnostics, Cytogenetics Laboratory, Brigham and Women's Hospital
Classification: Pathogenic for Early T cell progenitor acute lymphoblastic leukemia. Review status: no assertion criteria provided. Collection method: clinical testing. Allele origin: somatic. Affected: yes. Observed: 1 variant allele. Study: ETP-ALL responsive to Notch pathway inhibitor. Not counted in ClinVar's aggregate classification.
Comment: Activating CSF3R mutation found in ETP-ALL and chronic neutrophilic leukemia

Literature cited by the submitters: PubMed 23656643 (cited by Center for Genomic Medicine, Rigshospitalet, Copenhagen University Hospital); PubMed 31784538 (cited by Center for Genomic Medicine, Rigshospitalet, Copenhagen University Hospital); PubMed 27581359 (cited by 3billion and Labcorp Genetics (formerly Invitae), Labcorp); PubMed 25491280 (cited by Labcorp Genetics (formerly Invitae), Labcorp); PubMed 26875968 (cited by Labcorp Genetics (formerly Invitae), Labcorp); PubMed 28209919 (cited by Labcorp Genetics (formerly Invitae), Labcorp); PubMed 24614839 (cited by Labcorp Genetics (formerly Invitae), Labcorp); PubMed 24854193 (cited by Labcorp Genetics (formerly Invitae), Labcorp); PubMed 28219221 (cited by Labcorp Genetics (formerly Invitae), Labcorp); PubMed 27148573 (cited by Labcorp Genetics (formerly Invitae), Labcorp); PubMed 23604229 (cited by Labcorp Genetics (formerly Invitae), Labcorp); PubMed 28762112 (cited by Labcorp Genetics (formerly Invitae), Labcorp); PubMed 25932451 (cited by Labcorp Genetics (formerly Invitae), Labcorp); PubMed 31697825 (cited by Labcorp Genetics (formerly Invitae), Labcorp); PubMed 24081659 (cited by Labcorp Genetics (formerly Invitae), Labcorp); PubMed 24403076 (cited by Labcorp Genetics (formerly Invitae), Labcorp); PubMed 30967555 (cited by Labcorp Genetics (formerly Invitae), Labcorp).

NM_000760.4(CSF3R):c.1853C>T (p.Thr618Ile)

Gene: CSF3R (colony stimulating factor 3 receptor; minus strand). Cytogenetic location: 1p34.3.
Variant type: single nucleotide variant.
Coding change: c.1853C>T on transcript NM_000760.4 (MANE Select); coding-DNA position 1853, C replaced by T.
Protein change: p.Thr618Ile; replaces threonine 618 with isoleucine.
Molecular consequence: missense variant.
Genome position (GRCh38, 1-based): chr1:36,467,833, G>A on the plus strand (C>T on the coding strand, the complement: CSF3R is on the minus strand). VCF-style: chr1-36467833-G-A. GRCh37 (hg19) VCF-style: chr1-36933434-G-A.
Other names: c.1853C>T, p.Thr618Ile (LRG_144t1, NM_156039.3, NM_172313.3); short protein forms T618I.
Identifiers: ClinVar variation 208339 (VCV000208339.13), dbSNP rs796065343, ClinGen allele CA204418.